The following is an entry in ClinVar:

NM_022370.4(ROBO3):c.3722C>G (p.Pro1241Arg)

Gene: ROBO3 (roundabout guidance receptor 3; plus strand). Cytogenetic location: 11q24.2.
Variant type: single nucleotide variant.
Coding change: c.3722C>G on transcript NM_022370.4 (MANE Select); coding-DNA position 3722, C replaced by G.
Protein change: p.Pro1241Arg; replaces proline 1241 with arginine.
Molecular consequence: missense variant. On other transcripts: non-coding transcript variant (7).
Genome position (GRCh38, 1-based): chr11:124,879,501, C>G. VCF-style: chr11-124879501-C-G. GRCh37 (hg19) VCF-style: chr11-124749397-C-G.
Other names: c.869C>G, p.Pro290Arg (NM_001370356.1, NM_001370357.1, NM_001370358.1 and 2 more transcripts); c.674C>G, p.Pro225Arg (NM_001370364.1, NM_001370366.1); short protein forms P225R, P1241R, P290R.
Identifiers: ClinVar variation 4986249 (VCV004986249.1).
Genomic context (GRCh38, chr11:124,879,501, plus strand): 5'-TCTTCCCGTCTCCTAACACTGCAGGCAGAACCTGGCAGGGGAATGGGGAGATGACTCCCC[C>G]ACTTCAAGGACCCCGTGCTCGATTCCGGAAGAAACCCAAGGCTCTTCCCTACAGGAGGGA-3'
Protein context (NP_071765.2, residues 1231-1251): TWQGNGEMTP[Pro1241Arg]LQGPRARFRK

ClinVar aggregate classification (germline): Uncertain significance (1 of 4 stars; one submission).

Conditions:
ROBO3-related disorder. Also called: ROBO3-related condition.

Submission:

PreventionGenetics, part of Exact Sciences
Classification: Uncertain significance for ROBO3-related condition. Last evaluated: 2025-06-25. Review status: criteria provided, single submitter. Criteria: ACMG Guidelines, 2015. Collection method: clinical testing. Allele origin: germline.
Comment: The ROBO3 c.3722C>G variant is predicted to result in the amino acid substitution p.Pro1241Arg. To our knowledge, this variant has not been reported in the literature. This variant is reported in 0.0044% of alleles in individuals of European (Non-Finnish) descent in gnomAD. At this time, the clinical significance of this variant is uncertain due to the absence of conclusive functional and genetic evidence.